The following is an entry in ClinVar:

ClinVar aggregate classification (germline): Uncertain significance (1 of 4 stars; one submission).

Conditions:
Malignant hyperthermia, susceptibility to, 1 (MHS1). Also called: RYR1-Related Malignant Hyperthermia Susceptibility; Anesthesia related hyperthermia; Malignant hyperpyrexia; Fulminating hyperpyrexia; Pharmacogenic myopathy; Malignant hyperthermia suceptibility 1. Identifiers: Orphanet 423, MedGen C2930980, MONDO:0007783, OMIM 145600.

gnomAD v4.1: 1 of 1,613,180 alleles (0.000062%); highest among the groups gnomAD compares: Non-Finnish European, 0.000085%; no homozygotes.

Submission:

All of Us Research Program, National Institutes of Health
Classification: Uncertain significance for Malignant hyperthermia, susceptibility to, 1. Last evaluated: 2023-03-09. Review status: criteria provided, single submitter. Criteria: ACMG Guidelines, 2015. Collection method: clinical testing. Allele origin: germline. Inheritance: Autosomal dominant inheritance. Observed: 1 variant allele, 1 heterozygote.
Comment: This missense variant replaces isoleucine with methionine at codon 4189 of the RYR1 protein. Computational prediction is inconclusive regarding the impact of this variant on protein structure and function (internally defined REVEL score threshold 0.5 < inconclusive < 0.7, PMID: 27666373). To our knowledge, functional studies have not been reported for this variant. This variant has not been reported in individuals affected with RYR1-related disorders in the literature. This variant has not been identified in the general population by the Genome Aggregation Database (gnomAD). The available evidence is insufficient to determine the role of this variant in disease conclusively. Therefore, this variant is classified as a Variant of Uncertain Significance.

This study involves interpretation of variants in research participants for the purpose of population health screening. Participant phenotype was not available at the time of variant classification. Additional details can be found in publication PMID: 35346344, PMCID: PMC8962531

NM_000540.3(RYR1):c.12567C>G (p.Ile4189Met)

Gene: RYR1 (ryanodine receptor 1; plus strand). Cytogenetic location: 19q13.2.
Variant type: single nucleotide variant.
Coding change: c.12567C>G on transcript NM_000540.3 (MANE Select); coding-DNA position 12567, C replaced by G.
Protein change: p.Ile4189Met; replaces isoleucine 4189 with methionine.
Molecular consequence: missense variant.
Genome position (GRCh38, 1-based): chr19:38,561,397, C>G. VCF-style: chr19-38561397-C-G. GRCh37 (hg19) VCF-style: chr19-39052037-C-G.
Other names: c.12552C>G, p.Ile4184Met (NM_001042723.2); short protein forms I4184M, I4189M.
Identifiers: ClinVar variation 3069849 (VCV003069849.1), dbSNP rs1399924475, ClinGen allele CA405669703.